The following is an entry in ClinVar:

ClinVar aggregate classification (germline): Pathogenic (1 of 4 stars; one submission).

Conditions:
Hereditary cancer-predisposing syndrome. Also called: Hereditary Cancer Syndrome; Hereditary neoplastic syndrome; Neoplastic Syndromes, Hereditary; Tumor predisposition. Identifiers: Orphanet 140162, MedGen C0027672, MeSH D009386, MONDO:0015356.

Submission:

Ambry Genetics
Classification: Pathogenic for Hereditary cancer-predisposing syndrome. Last evaluated: 2021-10-18. Review status: criteria provided, single submitter. Criteria: Ambry Variant Classification Scheme 2023. Collection method: clinical testing. Allele origin: germline.
Comment: The c.1434_1435delCA pathogenic mutation, located in coding exon 8 of the DICER1 gene, results from a deletion of two nucleotides at nucleotide positions 1434 to 1435, causing a translational frameshift with a predicted alternate stop codon (p.I479Nfs*27). This variant is considered to be rare based on population cohorts in the Genome Aggregation Database (gnomAD). This alteration is expected to result in loss of function by premature protein truncation or nonsense-mediated mRNA decay. As such, this alteration is interpreted as a disease-causing mutation.

NM_177438.3(DICER1):c.1434_1435del (p.Ile479fs)

Gene: DICER1 (dicer 1, ribonuclease III; minus strand). Cytogenetic location: 14q32.13.
Variant type: Deletion.
Coding change: c.1434_1435del on transcript NM_177438.3 (MANE Select); coding-DNA positions 1434 to 1435, 2 bases deleted (CA; older notation c.1434_1435delCA).
Protein change: p.Ile479fs; shifts the reading frame from isoleucine 479.
Molecular consequence: frameshift variant. On other transcripts: 5 prime UTR variant (1), non-coding transcript variant (6).
Genome position (GRCh38, 1-based): chr14:95,117,696-95,117,697, TG deleted on the plus strand (CA on the coding strand, the reverse complement: DICER1 is on the minus strand). VCF-style (leftmost placement, unchanged base first): chr14-95117695-ATG-A. GRCh37 (hg19) VCF-style: chr14-95584032-ATG-A.
Other names: c.1434_1435del, p.Ile479fs (NM_001195573.1, NM_001271282.3, NM_001291628.2 and 12 more transcripts); c.1434_1435delCA, p.Ile479Asnfs (NM_001395681.1); c.1152_1153del, p.Ile385fs (NM_001395686.1); c.1029_1030del, p.Ile344fs (NM_001395687.1, NM_001395688.1, NM_001395689.1 and 3 more transcripts); c.867_868del, p.Ile290fs (NM_001395691.1); c.-135_-134del (NM_001395697.1); short protein forms I290fs, I344fs, I479fs, I385fs.
Identifiers: ClinVar variation 1772565 (VCV001772565.2), dbSNP rs2543062487, ClinGen allele CA2580089104.